The following is an entry in ClinVar:

ClinVar aggregate classification (germline): Uncertain significance (1 of 4 stars; one submission).

Allele frequency attached by ClinVar (database versions not stated): gnomAD 0.00003; gnomAD exomes 0.00001.
gnomAD v4.1: 14 of 1,613,700 alleles (0.00087%); highest among the groups gnomAD compares: Non-Finnish European, 0.0012%; no homozygotes.

Submission:

Labcorp Genetics (formerly Invitae), Labcorp
Classification: Uncertain significance. Last evaluated: 2025-04-14. Review status: criteria provided, single submitter. Criteria: Invitae Variant Classification Sherloc (09022015). Collection method: clinical testing. Allele origin: germline.
Comment: This sequence change replaces tyrosine, which is neutral and polar, with phenylalanine, which is neutral and non-polar, at codon 1399 of the CACNA1B protein (p.Tyr1399Phe). This variant is present in population databases (no rsID available, gnomAD 0.002%). This variant has not been reported in the literature in individuals affected with CACNA1B-related conditions. ClinVar contains an entry for this variant (Variation ID: 2874535). Invitae Evidence Modeling of protein sequence and biophysical properties (such as structural, functional, and spatial information, amino acid conservation, physicochemical variation, residue mobility, and thermodynamic stability) has been performed for this missense variant. However, the output from this modeling did not meet the statistical confidence thresholds required to predict the impact of this variant on CACNA1B protein function. In summary, the available evidence is currently insufficient to determine the role of this variant in disease. Therefore, it has been classified as a Variant of Uncertain Significance.

NM_000718.4(CACNA1B):c.4196A>T (p.Tyr1399Phe)

Gene: CACNA1B (calcium voltage-gated channel subunit alpha1 B; plus strand). Cytogenetic location: 9q34.3.
Variant type: single nucleotide variant.
Coding change: c.4196A>T on transcript NM_000718.4 (MANE Select); coding-DNA position 4196, A replaced by T.
Protein change: p.Tyr1399Phe; replaces tyrosine 1399 with phenylalanine.
Molecular consequence: missense variant.
Genome position (GRCh38, 1-based): chr9:138,058,138, A>T. VCF-style: chr9-138058138-A-T. GRCh37 (hg19) VCF-style: chr9-140952590-A-T.
Other names: c.4196A>T, p.Tyr1399Phe (NM_001243812.2); short protein forms Y1399F.
Identifiers: ClinVar variation 2874535 (VCV002874535.3), dbSNP rs1473814726, ClinGen allele CA375813929.